The following is an entry in ClinVar:

ClinVar aggregate classification (germline): Uncertain significance. Review status: criteria provided, multiple submitters, no conflicts (2 of 4 stars). 2 submissions from 2 submitters: Uncertain significance (2). Last evaluated 2025-12-15.

Allele frequency attached by ClinVar (database versions not stated): gnomAD exomes 0.00007 and 0.00012; ExAC 0.00011; gnomAD 0.00011 and 0.00012; TOPMed 0.00011; ESP Exome Variant Server 0.00023.

Submissions (2):

Labcorp Genetics (formerly Invitae), Labcorp
Classification: Uncertain significance. Last evaluated: 2025-12-15. Review status: criteria provided, single submitter. Criteria: Invitae Variant Classification Sherloc (09022015). Collection method: clinical testing. Allele origin: germline.
Comment: This sequence change replaces arginine, which is basic and polar, with cysteine, which is neutral and slightly polar, at codon 261 of the DHX32 protein (p.Arg261Cys). This variant is present in population databases (rs149495763, gnomAD 0.04%). This variant has not been reported in the literature in individuals affected with DHX32-related conditions. ClinVar contains an entry for this variant (Variation ID: 1422414). An algorithm developed to predict the effect of missense changes on protein structure and function (PolyPhen-2) suggests that this variant is likely to be disruptive. In summary, the available evidence is currently insufficient to determine the role of this variant in disease. Therefore, it has been classified as a Variant of Uncertain Significance.

Ambry Genetics
Classification: Uncertain significance. Last evaluated: 2025-08-27. Review status: criteria provided, single submitter. Criteria: Ambry Variant Classification Scheme 2023. Collection method: clinical testing. Allele origin: germline.

NM_018180.3(DHX32):c.781C>T (p.Arg261Cys)

Gene: DHX32 (DEAH-box helicase 32 (putative); minus strand). Cytogenetic location: 10q26.2.
Variant type: single nucleotide variant.
Coding change: c.781C>T on transcript NM_018180.3 (MANE Select); coding-DNA position 781, C replaced by T.
Protein change: p.Arg261Cys; replaces arginine 261 with cysteine.
Molecular consequence: missense variant.
Genome position (GRCh38, 1-based): chr10:125,859,671, G>A on the plus strand (C>T on the coding strand, the complement: DHX32 is on the minus strand). VCF-style: chr10-125859671-G-A. GRCh37 (hg19) VCF-style: chr10-127548240-G-A.
Other names: c.781C>T (NM_018180.2); short protein forms R261C.
Identifiers: ClinVar variation 1422414 (VCV001422414.8), dbSNP rs149495763, ClinGen allele CA5739389.